The following is an entry in ClinVar:

ClinVar aggregate classification (germline): Benign/Likely benign. Review status: criteria provided, multiple submitters, no conflicts (2 of 4 stars). 3 submissions from 3 submitters: Benign (1); Likely benign (2). Last evaluated 2024-10-28.

Conditions:
Birt-Hogg-Dube syndrome 1 (BHD1). Also called: FIBROFOLLICULOMAS WITH TRICHODISCOMAS AND ACROCHORDONS. Identifiers: Orphanet 122, MedGen CN375946, MONDO:0800445, OMIM 135150.
Hereditary cancer-predisposing syndrome. Also called: Hereditary neoplastic syndrome; Neoplastic Syndromes, Hereditary; Tumor predisposition; Hereditary Cancer Syndrome. Identifiers: Orphanet 140162, MedGen C0027672, MeSH D009386, MONDO:0015356.
Birt-Hogg-Dube syndrome. Also called: Birt Hogg Dubé syndrome. Identifiers: Orphanet 122, MedGen C0346010, MONDO:0800444.

Allele frequency attached by ClinVar (database versions not stated): gnomAD exomes below 0.00001.

Submissions (3):

Myriad Genetics, Inc.
Classification: Benign for Birt-Hogg-Dube syndrome 1. Last evaluated: 2024-10-28. Review status: criteria provided, single submitter. Criteria: Myriad Autosomal Dominant, Autosomal Recessive and X-Linked Classification Criteria (2023). Collection method: clinical testing. Allele origin: unknown.
Comment: This variant is considered benign. This variant is a silent/synonymous amino acid change and it is not expected to impact splicing.

Labcorp Genetics (formerly Invitae), Labcorp
Classification: Likely benign for Birt-Hogg-Dube syndrome. Last evaluated: 2024-06-10. Review status: criteria provided, single submitter. Criteria: Invitae Variant Classification Sherloc (09022015). Collection method: clinical testing. Allele origin: germline.

Ambry Genetics
Classification: Likely benign for Hereditary cancer-predisposing syndrome. Last evaluated: 2021-08-07. Review status: criteria provided, single submitter. Criteria: Ambry Variant Classification Scheme 2023. Collection method: clinical testing. Allele origin: germline.

NM_144997.7(FLCN):c.1641C>A (p.Val547=)

Gene: FLCN (folliculin; minus strand). Cytogenetic location: 17p11.2.
Variant type: single nucleotide variant.
Coding change: c.1641C>A on transcript NM_144997.7 (MANE Select); coding-DNA position 1641, C replaced by A.
Protein change: p.Val547=; no amino-acid change (valine 547 retained).
Molecular consequence: synonymous variant.
Genome position (GRCh38, 1-based): chr17:17,213,754, G>T on the plus strand (C>A on the coding strand, the complement: FLCN is on the minus strand). VCF-style: chr17-17213754-G-T. GRCh37 (hg19) VCF-style: chr17-17117068-G-T.
Other names: c.1641C>A (LRG_325t1); c.1695C>A, p.Val565= (NM_001353229.2); c.1641C>A, p.Val547= (NM_001353230.2, NM_001353231.2).
Identifiers: ClinVar variation 460605 (VCV000460605.11), dbSNP rs1235496125, ClinGen allele CA498163092.